The following is an entry in ClinVar:

NM_001903.5(CTNNA1):c.910T>C (p.Ser304Pro)

Gene: CTNNA1 (catenin alpha 1; plus strand). Cytogenetic location: 5q31.2.
Variant type: single nucleotide variant.
Coding change: c.910T>C on transcript NM_001903.5 (MANE Select); coding-DNA position 910, T replaced by C.
Protein change: p.Ser304Pro; replaces serine 304 with proline.
Molecular consequence: missense variant.
Genome position (GRCh38, 1-based): chr5:138,827,566, T>C. VCF-style: chr5-138827566-T-C. GRCh37 (hg19) VCF-style: chr5-138163255-T-C.
Other names: c.910T>C, p.Ser304Pro (NM_001290307.3, NM_001323982.2, NM_001323983.1 and 3 more transcripts); c.601T>C, p.Ser201Pro (NM_001290309.3); c.541T>C, p.Ser181Pro (NM_001290310.3); short protein forms S201P, S181P, S304P.
Identifiers: ClinVar variation 4737511 (VCV004737511.1).

ClinVar aggregate classification (germline): Uncertain significance (1 of 4 stars; one submission).

Submission:

Labcorp Genetics (formerly Invitae), Labcorp
Classification: Uncertain significance. Last evaluated: 2025-07-29. Review status: criteria provided, single submitter. Criteria: Invitae Variant Classification Sherloc (09022015). Collection method: clinical testing. Allele origin: germline.
Comment: This sequence change replaces serine, which is neutral and polar, with proline, which is neutral and non-polar, at codon 304 of the CTNNA1 protein (p.Ser304Pro). This variant is not present in population databases (gnomAD no frequency). This variant has not been reported in the literature in individuals affected with CTNNA1-related conditions. Invitae Evidence Modeling of protein sequence and biophysical properties (such as structural, functional, and spatial information, amino acid conservation, physicochemical variation, residue mobility, and thermodynamic stability) has been performed for this missense variant. However, the output from this modeling did not meet the statistical confidence thresholds required to predict the impact of this variant on CTNNA1 protein function. In summary, the available evidence is currently insufficient to determine the role of this variant in disease. Therefore, it has been classified as a Variant of Uncertain Significance.